The following is an entry in ClinVar:

ClinVar aggregate classification (germline): Pathogenic. Review status: criteria provided, multiple submitters, no conflicts (2 of 4 stars). 15 submissions from 15 submitters: Pathogenic (13). 2 of the submissions do not count toward it. Last evaluated 2025-01-27.

Conditions:
Primary familial hypertrophic cardiomyopathy (HCM). Identifiers: Orphanet 99739, MedGen C0949658, MeSH D024741, MONDO:0024573. Inheritance: Various modes of inheritance.
Hypertrophic cardiomyopathy 4. Also called: Familial hypertrophic cardiomyopathy 4. Identifiers: MedGen C1861862, MONDO:0007268, OMIM 115197.
MYBPC3-related disorder. Also called: MYBPC3-related disorders; MYBPC3-related condition; MYBPC3-related disease.
Cardiovascular phenotype. Identifiers: MedGen CN230736.
Hypertrophic cardiomyopathy. Also called: HYPERTROPHIC MYOCARDIOPATHY. Identifiers: Orphanet 217569, MedGen C0007194, MeSH D002312, MONDO:0005045, HP:0001639.
Cardiomyopathy (CMYO). Also called: Cardiomyopathies. Identifiers: Orphanet 167848, MedGen C0878544, MONDO:0004994, HP:0001638. Inheritance: Various modes of inheritance.

Allele frequency attached by ClinVar (database versions not stated): TOPMed below 0.00001.

Submissions (15):

Labcorp Genetics (formerly Invitae), Labcorp
Classification: Pathogenic for Hypertrophic cardiomyopathy. Last evaluated: 2025-01-27. Review status: criteria provided, single submitter. Criteria: Invitae Variant Classification Sherloc (09022015). Collection method: clinical testing. Allele origin: germline.
Comment: This sequence change creates a premature translational stop signal (p.Glu1096Aspfs*93) in the MYBPC3 gene. It is expected to result in an absent or disrupted protein product. Loss-of-function variants in MYBPC3 are known to be pathogenic (PMID: 19574547). This variant is not present in population databases (gnomAD no frequency). This premature translational stop signal has been observed in individual(s) with hypertrophic cardiomyopathy (PMID: 2732257, 16679492, 21750094, 24510615). ClinVar contains an entry for this variant (Variation ID: 164042). For these reasons, this variant has been classified as Pathogenic.

All of Us Research Program, National Institutes of Health
Classification: Pathogenic for Hypertrophic cardiomyopathy. Last evaluated: 2024-06-27. Review status: criteria provided, single submitter. Criteria: ACMG Guidelines, 2015. Collection method: clinical testing. Allele origin: germline. Inheritance: Autosomal dominant inheritance. Observed: 1 variant allele, 1 heterozygote.
Comment: This variant deletes 1 nucleotide in exon 30 of the MYBPC3 gene, creating a frameshift and premature translation stop signal. This variant is expected to result in an absent or non-functional protein product. This variant has been reported in at least five individuals affected with hypertrophic cardiomyopathy (PMID: 21750094, 24793961, 25611685, 27532257, 30297972, 30847666). It has also been reported in compound heterozygous state with another pathogenic truncation variant in the MYBPC3 gene in one infant affected with severe neonatal hypertrophic cardiomyopathy (PMID: 16679492). This variant has not been identified in the general population by the Genome Aggregation Database (gnomAD). Loss of MYBPC3 function is a known mechanism of disease. Based on the available evidence, this variant is classified as Pathogenic.

This study involves interpretation of variants in research participants for the purpose of population health screening. Participant phenotype was not available at the time of variant classification. Additional details can be found in publication PMID: 35346344, PMCID: PMC8962531

Color Diagnostics, LLC DBA Color Health
Classification: Pathogenic for Cardiomyopathy. Last evaluated: 2024-04-18. Review status: criteria provided, single submitter. Criteria: ACMG Guidelines, 2015. Collection method: clinical testing. Allele origin: germline.
Comment: This variant deletes 1 nucleotide in exon 30 of the MYBPC3 gene, creating a frameshift and premature translation stop signal. This variant is expected to result in an absent or non-functional protein product. This variant has been reported in at least five individuals affected with hypertrophic cardiomyopathy (PMID: 21750094, 24793961, 25611685, 27532257, 30297972, 30847666). It has also been reported in compound heterozygous state with another pathogenic truncation variant in the MYBPC3 gene in one infant affected with severe neonatal hypertrophic cardiomyopathy (PMID: 16679492). This variant has not been identified in the general population by the Genome Aggregation Database (gnomAD). Loss of MYBPC3 function is a known mechanism of disease. Based on the available evidence, this variant is classified as Pathogenic.

Department of Human Genetics, Hannover Medical School
Classification: Pathogenic for Hypertrophic cardiomyopathy 4. Last evaluated: 2024-04-10. Review status: criteria provided, single submitter. Criteria: ACMG Guidelines, 2015. Collection method: clinical testing. Allele origin: germline. Affected: yes.

GeneDx
Classification: Pathogenic. Last evaluated: 2024-03-27. Review status: criteria provided, single submitter. Criteria: GeneDx Variant Classification Process June 2021. Collection method: clinical testing. Allele origin: germline. Affected: yes.
Comment: Frameshift variant predicted to result in protein truncation or nonsense mediated decay in a gene for which loss of function is a known mechanism of disease; Published RNA studies demonstrate mRNA nonsense mediated decay and absence of protein (PMID: 16679492); Not observed at significant frequency in large population cohorts (gnomAD); This variant is associated with the following publications: (PMID: 30847666, 21750094, 16679492, 27532257, 24510615)

Blueprint Genetics
Classification: Pathogenic for MYBPC3-related disorders. Last evaluated: 2022-10-14. Review status: criteria provided, single submitter. Criteria: ACMG Guidelines, 2015. Collection method: clinical testing. Allele origin: germline. Affected: yes. Observed: 1 variant allele.

Institute of Human Genetics, University of Leipzig Medical Center
Classification: Pathogenic for Hypertrophic cardiomyopathy 4. Last evaluated: 2021-12-07. Review status: criteria provided, single submitter. Criteria: ACMG Guidelines, 2015. Collection method: clinical testing. Allele origin: unknown. Affected: no.
Comment: _x000D_ Criteria applied: PVS1, PS4_MOD, PM2_SUP

Women's Health and Genetics/Laboratory Corporation of America, LabCorp
Classification: Pathogenic for Primary familial hypertrophic cardiomyopathy. Last evaluated: 2020-10-01. Review status: criteria provided, single submitter. Criteria: LabCorp Variant Classification Summary - May 2015. Collection method: clinical testing. Allele origin: germline.
Comment: Variant summary: MYBPC3 c.3288delG (p.Glu1096AspfsX93) results in a premature termination codon, predicted to cause a truncation of the encoded protein or absence of the protein due to nonsense mediated decay, which are commonly known mechanisms for disease. Truncations downstream of this position have been classified as pathogenic by our laboratory. The variant was absent in 210992 control chromosomes. c.3288delG has been reported in the literature in multiple individuals affected with Hypertrophic Cardiomyopathy (examples- Lekanne_2006, Waldmuller_2011, Kapplinger_2014, Bos_2014, Walsh_2017, van Lint_2019). These data indicate that the variant is very likely to be associated with disease, however at least one publication reports the variant in an unaffected individual, suggesting imcomplete penetrance (Lekanne_2006). One publication reports that mRNA with the variant could not be detected in the peripheral blood of a patient with this mutation, indicating nonsense-mediated decay (Lekanne_2006). Six other clinical diagnostic laboratories have submitted clinical-significance assessments for this variant to ClinVar after 2014 without evidence for independent evaluation, citing the variant as pathogenic (n=5) and uncertain significance (n=1). Based on the evidence outlined above, the variant was classified as pathogenic.

Center for Advanced Laboratory Medicine, UC San Diego Health, University of California San Diego
Classification: Pathogenic for Hypertrophic cardiomyopathy. Last evaluated: 2019-04-01. Review status: criteria provided, single submitter. Criteria: ACMG Guidelines, 2015. Collection method: clinical testing. Allele origin: germline. Affected: yes. Observed: 1 variant allele.

CHEO Genetics Diagnostic Laboratory, Children's Hospital of Eastern Ontario
Classification: Pathogenic for Cardiomyopathy. Last evaluated: 2017-08-04. Review status: criteria provided, single submitter. Criteria: ACMG Guidelines, 2015. Collection method: clinical testing. Allele origin: germline. Study: Canadian Open Genetics Repository.

Ambry Genetics
Classification: Pathogenic for Cardiovascular phenotype. Last evaluated: 2016-11-29. Review status: criteria provided, single submitter. Criteria: Ambry Variant Classification Scheme 2023. Collection method: clinical testing. Allele origin: germline.
Comment: The c.3288delG pathogenic mutation, located in coding exon 30 of the MYBPC3 gene, results from a deletion of one nucleotide at nucleotide position 3288, causing a translational frameshift with a predicted alternate stop codon (p.E1096Dfs*93). This alteration has been reported in individuals with hypertrophic cardiomyopathy (Lekanne Deprez RH et al. J. Med. Genet., 2006 Oct;43:829-32; Kapplinger JD et al. J Cardiovasc Transl Res, 2014 Apr;7:347-61). In addition to the clinical data presented in the literature, this alteration is expected to result in loss of function by premature protein truncation or nonsense-mediated mRNA decay. As such, this alteration is interpreted as a disease-causing mutation.

Eurofins Ntd Llc (ga)
Classification: Pathogenic. Last evaluated: 2014-10-23. Review status: criteria provided, single submitter. Criteria: EGL Classification Definitions 2015. Collection method: clinical testing. Allele origin: germline.

Laboratory for Molecular Medicine, Mass General Brigham Personalized Medicine
Classification: Pathogenic for Hypertrophic cardiomyopathy. Last evaluated: 2014-08-06. Review status: criteria provided, single submitter. Criteria: LMM Criteria. Collection method: clinical testing. Allele origin: germline. Inheritance: Autosomal dominant inheritance. Observed: 3 variant alleles.
Comment: The p.Glu1096fs variant in MYBPC3 has been identified in 5 individuals with HCM (Lekanne Deprez 2006, Kapplinger 2014, LMM unpublished data). It was absent from large population studies. This variant is predicted to cause a frameshift, whic h alters the protein?s amino acid sequence beginning at position 1096 and lead t o a premature termination codon 93 amino acids downstream. This alteration is th en predicted to lead to a truncated or absent protein. Heterozygous loss of func tion of the MYBPC3 gene is an established disease mechanism in HCM. In summary, this variant meets our criteria to be classified as pathogenic based upon the predicted impact of the variant .

Clinical Genetics, Academic Medical Center
Classification: Pathogenic. Review status: no assertion criteria provided. Collection method: clinical testing. Allele origin: germline. Affected: yes. Study: VKGL Data-share Consensus. Not counted in ClinVar's aggregate classification.

Diagnostic Laboratory, Department of Genetics, University Medical Center Groningen
Classification: Pathogenic for Hypertrophic cardiomyopathy 4. Review status: no assertion criteria provided. Collection method: clinical testing. Allele origin: germline. Affected: yes. Study: VKGL Data-share Consensus. Not counted in ClinVar's aggregate classification.

Literature cited by the submitters: PubMed 19574547 (cited by Labcorp Genetics (formerly Invitae), Labcorp); PubMed 2732257 (cited by Labcorp Genetics (formerly Invitae), Labcorp); PubMed 16679492 (cited by 7 submitters); PubMed 21750094 (cited by 4 submitters); PubMed 24510615 (cited by 3 submitters); PubMed 24793961 (cited by 3 submitters); PubMed 25611685 (cited by All of Us Research Program, National Institutes of Health and Color Diagnostics, LLC DBA Color Health); PubMed 27532257 (cited by 3 submitters); PubMed 30297972 (cited by All of Us Research Program, National Institutes of Health and Color Diagnostics, LLC DBA Color Health); PubMed 30847666 (cited by 3 submitters); PubMed 18400036 (cited by Women's Health and Genetics/Laboratory Corporation of America, LabCorp); PubMed 20474083 (cited by Women's Health and Genetics/Laboratory Corporation of America, LabCorp); PubMed 22907696 (cited by Women's Health and Genetics/Laboratory Corporation of America, LabCorp).

NC_000011.10:g.47333236del

Gene: MYBPC3 (myosin binding protein C3; minus strand). Cytogenetic location: 11p11.2.
Variant type: Deletion.
Genome position: GRCh38 VCF-style: chr11-47333235-GC-G. GRCh37 (hg19) VCF-style: chr11-47354786-GC-G.
Other names: c.3288delG (NM_000256.3); c.3288del, p.Glu1096fs (LRG_386t1).
Identifiers: ClinVar variation 164042 (VCV000164042.37), dbSNP rs727503172, ClinGen allele CA013802.
Genomic context (GRCh38, chr11:47,333,235, plus strand): 5'-CCCCAGACCCTGGGCTCACCATGGTCTTCTTGTCGGCTTTCTGCACTGTGTACCCCCAGA[GC>G]TCCGTGTTGCCGACATCCTGGGGTGGCTTCCACTCCAGAGCCACATTAAGACCCCAGGCG-3'